The following is an entry in ClinVar:

NM_032776.3(JMJD1C):c.4093C>G (p.His1365Asp)

Gene: JMJD1C (jumonji domain containing 1C; minus strand). Cytogenetic location: 10q21.3.
Variant type: single nucleotide variant.
Coding change: c.4093C>G on transcript NM_032776.3 (MANE Select); coding-DNA position 4093, C replaced by G.
Protein change: p.His1365Asp; replaces histidine 1365 with aspartic acid.
Molecular consequence: missense variant. On other transcripts: non-coding transcript variant (1).
Genome position (GRCh38, 1-based): chr10:63,207,576, G>C on the plus strand (C>G on the coding strand, the complement: JMJD1C is on the minus strand). VCF-style: chr10-63207576-G-C. GRCh37 (hg19) VCF-style: chr10-64967336-G-C.
Other names: c.4093C>G (NM_032776.1); c.3547C>G, p.His1183Asp (NM_001282948.2, NM_001318154.2); c.3229C>G, p.His1077Asp (NM_001318153.2); c.3979C>G, p.His1327Asp (NM_001322252.2); c.3436C>G, p.His1146Asp (NM_001322254.2, NM_001322258.2); short protein forms H1077D, H1183D, H1365D, H1146D, H1327D.
Identifiers: ClinVar variation 1486681 (VCV001486681.7), dbSNP rs755958417, ClinGen allele CA5518326.

ClinVar aggregate classification (germline): Uncertain significance. Review status: criteria provided, multiple submitters, no conflicts (2 of 4 stars). 2 submissions from 2 submitters: Uncertain significance (2). Last evaluated 2025-08-31.

Conditions:
Early Myoclonic Encephalopathy. Identifiers: MedGen C0270855.

Allele frequency attached by ClinVar (database versions not stated): gnomAD exomes 0.00001 and below 0.00001; ExAC 0.00001; gnomAD 0.00004; TOPMed 0.00003.
gnomAD v4.1: 8 of 1,614,050 alleles (0.0005%); highest among the groups gnomAD compares: African/African-American, 0.0093%; no homozygotes.

Submissions (2):

Ambry Genetics
Classification: Uncertain significance. Last evaluated: 2025-08-31. Review status: criteria provided, single submitter. Criteria: Ambry Variant Classification Scheme 2023. Collection method: clinical testing. Allele origin: germline.

Labcorp Genetics (formerly Invitae), Labcorp
Classification: Uncertain significance for Early Myoclonic Encephalopathy. Last evaluated: 2022-01-14. Review status: criteria provided, single submitter. Criteria: Invitae Variant Classification Sherloc (09022015). Collection method: clinical testing. Allele origin: germline.
Comment: Algorithms developed to predict the effect of missense changes on protein structure and function (SIFT, PolyPhen-2, Align-GVGD) all suggest that this variant is likely to be tolerated. This variant has not been reported in the literature in individuals affected with JMJD1C-related conditions. This variant is present in population databases (rs755958417, gnomAD 0.008%). This sequence change replaces histidine, which is basic and polar, with aspartic acid, which is acidic and polar, at codon 1365 of the JMJD1C protein (p.His1365Asp). In summary, the available evidence is currently insufficient to determine the role of this variant in disease. Therefore, it has been classified as a Variant of Uncertain Significance.